The following is an entry in ClinVar:

ClinVar aggregate classification (germline): Pathogenic (1 of 4 stars; one submission).

Submission:

Labcorp Genetics (formerly Invitae), Labcorp
Classification: Pathogenic. Last evaluated: 2019-07-15. Review status: criteria provided, single submitter. Criteria: Invitae Variant Classification Sherloc (09022015). Collection method: clinical testing. Allele origin: germline.
Comment: This variant is a deletion of the genomic region encompassing 1-6 and part of exon 7 (c.-1471_894del) of the SLC12A3 gene. It is expected to disrupt RNA splicing and likely results in an absent or disrupted protein product. This variant has not been reported in the literature in individuals with SLC12A3-related conditions. This variant disrupts the p.Thr180 amino acid residue in SLC12A3. Other variant(s) that disrupt this residue have been determined to be pathogenic (PMID: 10616841, 21628937, 26041598, 21757836). This suggests that this residue is clinically significant, and that variants that disrupt this residue are likely to be disease-causing. Loss-of-function variants in SLC12A3 are known to be pathogenic (PMID: 20848653, 22009145, 25841442). For these reasons, this variant has been classified as Pathogenic.

Literature cited by the submitters: PubMed 21757836; PubMed 10616841; PubMed 21628937; PubMed 26041598.

NM_000339.2(SLC12A3):c.-1471_894del

Genes: SLC12A3 (solute carrier family 12 member 3; plus strand), LOC130059053 (ATAC-STARR-seq lymphoblastoid active region 10855; plus strand), LOC130059054 (ATAC-STARR-seq lymphoblastoid active region 10856; plus strand). Cytogenetic location: 16q13.
Variant type: Deletion.
Coding change: c.-1471_894del on transcript NM_000339.2; 1471 bases upstream of the start codon through coding-DNA position 894, 8,628 bases deleted.
Genome position (GRCh38, 1-based): chr16:56,863,765-56,872,392, 8,628 bases deleted. GRCh37 (hg19): chr16:56,897,677-56,906,304.
Identifiers: ClinVar variation 945564 (VCV000945564.3), ClinGen allele CA1139664706.